The following is an entry in ClinVar:

ClinVar aggregate classification (germline): Uncertain significance (1 of 4 stars; one submission).

Conditions:
Familial cancer of breast. Also called: BREAST CANCER, FAMILIAL; Hereditary breast cancer; hereditary breast carcinoma. Identifiers: Orphanet 227535, MedGen C0346153, MONDO:0016419, OMIM 114480. Disease mechanism: loss of function.

Submission:

Labcorp Genetics (formerly Invitae), Labcorp
Classification: Uncertain significance for Familial cancer of breast. Last evaluated: 2026-01-20. Review status: criteria provided, single submitter. Criteria: Invitae Variant Classification Sherloc (09022015). Collection method: clinical testing. Allele origin: germline.
Comment: This sequence change replaces alanine, which is neutral and non-polar, with valine, which is neutral and non-polar, at codon 1057 of the PALB2 protein (p.Ala1057Val). This variant is not present in population databases (gnomAD no frequency). This variant has not been reported in the literature in individuals affected with PALB2-related conditions. Invitae Evidence Modeling of protein sequence and biophysical properties (such as structural, functional, and spatial information, amino acid conservation, physicochemical variation, residue mobility, and thermodynamic stability) indicates that this missense variant is expected to disrupt PALB2 protein function with a positive predictive value of 80%. In summary, the available evidence is currently insufficient to determine the role of this variant in disease. Therefore, it has been classified as a Variant of Uncertain Significance.

NM_024675.4(PALB2):c.3170C>T (p.Ala1057Val)

Gene: PALB2 (partner and localizer of BRCA2; minus strand). Cytogenetic location: 16p12.2.
Variant type: single nucleotide variant.
Coding change: c.3170C>T on transcript NM_024675.4 (MANE Select); coding-DNA position 3170, C replaced by T.
Protein change: p.Ala1057Val; replaces alanine 1057 with valine.
Molecular consequence: missense variant. On other transcripts: intron variant (3).
Genome position (GRCh38, 1-based): chr16:23,614,035, G>A on the plus strand (C>T on the coding strand, the complement: PALB2 is on the minus strand). VCF-style: chr16-23614035-G-A. GRCh37 (hg19) VCF-style: chr16-23625356-G-A.
Other names: c.3110C>T, p.Ala1037Val (NM_001407296.1); c.3098C>T, p.Ala1033Val (NM_001407297.1); c.3008C>T, p.Ala1003Val (NM_001407298.1, NM_001407302.1); c.2891C>T, p.Ala964Val (NM_001407300.1); c.3170C>T, p.Ala1057Val (NM_001407301.1); c.2285C>T, p.Ala762Val (NM_001407304.1, NM_001407305.1, NM_001407306.1 and 2 more transcripts); c.2123C>T, p.Ala708Val (NM_001407307.1); c.1382C>T, p.Ala461Val (NM_001407312.1, NM_001407313.1); and 3 more; short protein forms A1033V, A1057V, A461V, A1037V, A235V, A964V, A708V, A1003V.
Identifiers: ClinVar variation 4742320 (VCV004742320.1).